The following is an entry in ClinVar:

ClinVar aggregate classification (germline): Uncertain significance (1 of 4 stars; one submission).

gnomAD v4.1: 2 of 1,614,106 alleles (0.00012%); highest among the groups gnomAD compares: African/African-American, 0.0013%; no homozygotes.

Submission:

Labcorp Genetics (formerly Invitae), Labcorp
Classification: Uncertain significance. Last evaluated: 2025-06-17. Review status: criteria provided, single submitter. Criteria: Invitae Variant Classification Sherloc (09022015). Collection method: clinical testing. Allele origin: germline.
Comment: This sequence change replaces glutamic acid, which is acidic and polar, with glutamine, which is neutral and polar, at codon 397 of the CENPJ protein (p.Glu397Gln). This variant is not present in population databases (gnomAD no frequency). This variant has not been reported in the literature in individuals affected with CENPJ-related conditions. Invitae Evidence Modeling of protein sequence and biophysical properties (such as structural, functional, and spatial information, amino acid conservation, physicochemical variation, residue mobility, and thermodynamic stability) indicates that this missense variant is expected to disrupt CENPJ protein function with a positive predictive value of 80%. In summary, the available evidence is currently insufficient to determine the role of this variant in disease. Therefore, it has been classified as a Variant of Uncertain Significance.

NM_018451.5(CPAP):c.1189G>C (p.Glu397Gln)

Gene: CPAP (centrosome assembly and centriole elongation protein; minus strand). Cytogenetic location: 13q12.13.
Variant type: single nucleotide variant.
Coding change: c.1189G>C on transcript NM_018451.5 (MANE Select); coding-DNA position 1189, G replaced by C.
Protein change: p.Glu397Gln; replaces glutamic acid 397 with glutamine.
Molecular consequence: missense variant. On other transcripts: non-coding transcript variant (2).
Genome position (GRCh38, 1-based): chr13:24,906,849, C>G on the plus strand (G>C on the coding strand, the complement: CPAP is on the minus strand). VCF-style: chr13-24906849-C-G. GRCh37 (hg19) VCF-style: chr13-25480987-C-G.
Other names: short protein forms E397Q.
Identifiers: ClinVar variation 4695108 (VCV004695108.1).